The following is an entry in ClinVar:

NM_000260.4(MYO7A):c.5560G>A (p.Val1854Met)

Gene: MYO7A (myosin VIIA; plus strand). Cytogenetic location: 11q13.5.
Variant type: single nucleotide variant.
Coding change: c.5560G>A on transcript NM_000260.4 (MANE Select); coding-DNA position 5560, G replaced by A.
Protein change: p.Val1854Met; replaces valine 1854 with methionine.
Molecular consequence: missense variant.
Genome position (GRCh38, 1-based): chr11:77,205,541, G>A. VCF-style: chr11-77205541-G-A. GRCh37 (hg19) VCF-style: chr11-76916586-G-A.
Other names: c.5446G>A, p.Val1816Met (NM_001127180.2); c.5413G>A, p.Val1805Met (NM_001369365.1); short protein forms V1854M, V1805M, V1816M.
Identifiers: ClinVar variation 555403 (VCV000555403.5), dbSNP rs754761542, ClinGen allele CA6198745.

ClinVar aggregate classification (germline): Uncertain significance. Review status: criteria provided, single submitter (1 of 4 stars). 2 submissions from 2 submitters: Uncertain significance (1). 1 of the submissions does not count toward it. Last evaluated 2022-03-10.

Conditions:
Autosomal recessive nonsyndromic hearing loss 2. Also called: DEAFNESS, AUTOSOMAL RECESSIVE 2; NEUROSENSORY NONSYNDROMIC RECESSIVE DEAFNESS 2. Identifiers: Orphanet 90636, MedGen C1838701, MONDO:0010807, OMIM 600060.
Usher syndrome type 1 (USH1). Also called: RETINITIS PIGMENTOSA AND CONGENITAL DEAFNESS. Identifiers: Orphanet 231169, Orphanet 886, MedGen C1568247, MONDO:0010168, OMIM 276900.

Allele frequency attached by ClinVar (database versions not stated): gnomAD exomes below 0.00001 and 0.00001; ExAC 0.00001; gnomAD 0.00001; TOPMed 0.00001.
gnomAD v4.1: 17 of 1,610,322 alleles (0.0011%); highest among the groups gnomAD compares: Non-Finnish European, 0.0014%; no homozygotes.

Submissions (2):

Labcorp Genetics (formerly Invitae), Labcorp
Classification: Uncertain significance. Last evaluated: 2022-03-10. Review status: criteria provided, single submitter. Criteria: Invitae Variant Classification Sherloc (09022015). Collection method: clinical testing. Allele origin: germline.
Comment: This sequence change replaces valine, which is neutral and non-polar, with methionine, which is neutral and non-polar, at codon 1854 of the MYO7A protein (p.Val1854Met). The frequency data for this variant in the population databases is considered unreliable, as metrics indicate poor data quality at this position in the gnomAD database. This missense change has been observed in individual(s) with deafness (PMID: 28000701). ClinVar contains an entry for this variant (Variation ID: 555403). Advanced modeling of protein sequence and biophysical properties (such as structural, functional, and spatial information, amino acid conservation, physicochemical variation, residue mobility, and thermodynamic stability) performed at Invitae indicates that this missense variant is not expected to disrupt MYO7A protein function. In summary, the available evidence is currently insufficient to determine the role of this variant in disease. Therefore, it has been classified as a Variant of Uncertain Significance.

Counsyl
Classification: Uncertain significance for Usher syndrome type 1; Autosomal recessive nonsyndromic hearing loss 2. Last evaluated: 2017-12-04. Review status: no assertion criteria provided. Collection method: clinical testing. Allele origin: unknown. Not counted in ClinVar's aggregate classification.

Literature cited by the submitters: PubMed 28000701 (cited by Labcorp Genetics (formerly Invitae), Labcorp and Counsyl); PubMed 22334370 (cited by Counsyl).